The following is an entry in ClinVar:

NM_001200.4(BMP2):c.347-6A>G

Gene: BMP2 (bone morphogenetic protein 2; plus strand). Cytogenetic location: 20p12.3.
Variant type: single nucleotide variant.
Coding change: c.347-6A>G on transcript NM_001200.4 (MANE Select); 6 bases into the intron before coding-DNA position 347, A replaced by G.
Molecular consequence: intron variant.
Genome position (GRCh38, 1-based): chr20:6,778,239, A>G. VCF-style: chr20-6778239-A-G. GRCh37 (hg19) VCF-style: chr20-6758886-A-G.
Identifiers: ClinVar variation 4716154 (VCV004716154.1).
Genomic context (GRCh38, chr20:6,778,239, plus strand): 5'-TCATTACTTGGCTTACTGAAATTCAGACTTTTCTTTTTTCTTCCCTGTTTTTCTCTATCA[A>G]ATTAGAATCTTTGGAAGAACTACCAGAAACGAGTGGGAAAACAACCCGGAGATTCTTCTT-3'

ClinVar aggregate classification (germline): Uncertain significance (1 of 4 stars; one submission).

Submission:

Labcorp Genetics (formerly Invitae), Labcorp
Classification: Uncertain significance. Last evaluated: 2025-03-27. Review status: criteria provided, single submitter. Criteria: Invitae Variant Classification Sherloc (09022015). Collection method: clinical testing. Allele origin: germline.
Comment: This sequence change falls in intron 2 of the BMP2 gene. It does not directly change the encoded amino acid sequence of the BMP2 protein. This variant is not present in population databases (gnomAD no frequency). This variant has not been reported in the literature in individuals affected with BMP2-related conditions. Algorithms developed to predict the effect of sequence changes on RNA splicing suggest that this variant may disrupt the consensus splice site. In summary, the available evidence is currently insufficient to determine the role of this variant in disease. Therefore, it has been classified as a Variant of Uncertain Significance.